The following is an entry in ClinVar:

NM_153240.5(NPHP3):c.1513G>A (p.Gly505Arg)

Genes: NPHP3-ACAD11 (NPHP3-ACAD11 readthrough (NMD candidate); minus strand), NPHP3 (nephrocystin 3; minus strand). Cytogenetic location: 3q22.1.
Variant type: single nucleotide variant.
Coding change: c.1513G>A on transcript NM_153240.5 (MANE Select); coding-DNA position 1513, G replaced by A.
Protein change: p.Gly505Arg; replaces glycine 505 with arginine.
Molecular consequence: missense variant. On other transcripts: non-coding transcript variant (1).
Genome position (GRCh38, 1-based): chr3:132,704,209, C>T on the plus strand (G>A on the coding strand, the complement: NPHP3 is on the minus strand). VCF-style: chr3-132704209-C-T. GRCh37 (hg19) VCF-style: chr3-132423053-C-T.
Other names: short protein forms G505R.
Identifiers: ClinVar variation 954456 (VCV000954456.9), dbSNP rs375225209, ClinGen allele CA83595883.

ClinVar aggregate classification (germline): Uncertain significance. Review status: criteria provided, multiple submitters, no conflicts (2 of 4 stars). 3 submissions from 3 submitters: Uncertain significance (3). Last evaluated 2025-10-22.

Conditions:
Inborn genetic diseases. Identifiers: MedGen C0950123, MeSH D030342.
Nephronophthisis. Also called: Juvenile Nephronophthisis. Identifiers: Orphanet 655, MedGen C0687120, MONDO:0019005, HP:0000090.
NPHP3-related Meckel-like syndrome. Also called: GOLDSTON SYNDROME; Meckel syndrome type 7. Identifiers: Orphanet 3032, MedGen C2673885, MONDO:0009966, OMIM 267010.
Renal-hepatic-pancreatic dysplasia 1 (RHPD1). Identifiers: MedGen C3715199, MONDO:0008833, OMIM 208540.
Nephronophthisis 3 (NPHP3). Also called: Adolescent nephronophthisis. Identifiers: Orphanet 655, MedGen C1858392, MONDO:0011456, OMIM 604387.

Allele frequency attached by ClinVar (database versions not stated): gnomAD exomes below 0.00001; gnomAD 0.00001; TOPMed 0.00002; ESP Exome Variant Server 0.00008.
gnomAD v4.1: 4 of 1,613,996 alleles (0.00025%); highest among the groups gnomAD compares: African/African-American, 0.0027%; no homozygotes.

Submissions (3):

Ambry Genetics
Classification: Uncertain significance for Inborn genetic diseases. Last evaluated: 2025-10-22. Review status: criteria provided, single submitter. Criteria: Ambry Variant Classification Scheme 2023. Collection method: clinical testing. Allele origin: germline.

Fulgent Genetics
Classification: Uncertain significance for Renal-hepatic-pancreatic dysplasia 1; NPHP3-related Meckel-like syndrome; Nephronophthisis 3. Last evaluated: 2022-01-02. Review status: criteria provided, single submitter. Criteria: ACMG Guidelines, 2015. Collection method: clinical testing. Allele origin: unknown.

Labcorp Genetics (formerly Invitae), Labcorp
Classification: Uncertain significance for Nephronophthisis. Last evaluated: 2021-08-31. Review status: criteria provided, single submitter. Criteria: Invitae Variant Classification Sherloc (09022015). Collection method: clinical testing. Allele origin: germline.
Comment: This sequence change replaces glycine with arginine at codon 505 of the NPHP3 protein (p.Gly505Arg). The glycine residue is highly conserved and there is a moderate physicochemical difference between glycine and arginine. This variant is not present in population databases (ExAC no frequency). This variant has not been reported in the literature in individuals affected with NPHP3-related conditions. Algorithms developed to predict the effect of missense changes on protein structure and function are either unavailable or do not agree on the potential impact of this missense change (SIFT: "Deleterious"; PolyPhen-2: "Probably Damaging"; Align-GVGD: "Class C15"). In summary, the available evidence is currently insufficient to determine the role of this variant in disease. Therefore, it has been classified as a Variant of Uncertain Significance.